The following is an entry in ClinVar:

ClinVar aggregate classification (germline): Uncertain significance (1 of 4 stars; one submission).

Submission:

Ambry Genetics
Classification: Uncertain significance. Last evaluated: 2024-06-18. Review status: criteria provided, single submitter. Criteria: Ambry Variant Classification Scheme 2023. Collection method: clinical testing. Allele origin: germline.
Comment: The p.H613Q variant (also known as c.1839T>A), located in coding exon 12 of the POLQ gene, results from a T to A substitution at nucleotide position 1839. The histidine at codon 613 is replaced by glutamine, an amino acid with highly similar properties. This amino acid position is conserved. In addition, this alteration is predicted to be tolerated by in silico analysis. Based on the available evidence, the clinical significance of this variant remains unclear.

NM_199420.4(POLQ):c.1839T>A (p.His613Gln)

Gene: POLQ (DNA polymerase theta; minus strand). Cytogenetic location: 3q13.33.
Variant type: single nucleotide variant.
Coding change: c.1839T>A on transcript NM_199420.4 (MANE Select); coding-DNA position 1839, T replaced by A.
Protein change: p.His613Gln; replaces histidine 613 with glutamine.
Molecular consequence: missense variant.
Genome position (GRCh38, 1-based): chr3:121,509,681, A>T on the plus strand (T>A on the coding strand, the complement: POLQ is on the minus strand). VCF-style: chr3-121509681-A-T. GRCh37 (hg19) VCF-style: chr3-121228528-A-T.
Other names: short protein forms H613Q.
Identifiers: ClinVar variation 3308737 (VCV003308737.1).